The following is an entry in ClinVar:

ClinVar aggregate classification (germline): Uncertain significance. Review status: criteria provided, multiple submitters, no conflicts (2 of 4 stars). 2 submissions from 2 submitters: Uncertain significance (2). Last evaluated 2024-02-17.

Conditions:
Joubert syndrome. Also called: CEREBELLOPARENCHYMAL DISORDER IV; JOUBERT-BOLTSHAUSER SYNDROME; Familial aplasia of the vermis. Identifiers: Orphanet 475, MedGen C5979921, MONDO:0018772.

Allele frequency attached by ClinVar (database versions not stated): gnomAD exomes below 0.00001; ExAC 0.00001; gnomAD 0.00001; TOPMed 0.00002.
gnomAD v4.1: 2 of 1,571,572 alleles (0.00013%); highest among the groups gnomAD compares: Admixed American, 0.0034%; no homozygotes.

Submissions (2):

Labcorp Genetics (formerly Invitae), Labcorp
Classification: Uncertain significance for Joubert syndrome. Last evaluated: 2024-02-17. Review status: criteria provided, single submitter. Criteria: Invitae Variant Classification Sherloc (09022015). Collection method: clinical testing. Allele origin: germline.
Comment: This sequence change replaces cysteine, which is neutral and slightly polar, with serine, which is neutral and polar, at codon 542 of the AHI1 protein (p.Cys542Ser). This variant is present in population databases (rs768523364, gnomAD 0.003%). This variant has not been reported in the literature in individuals affected with AHI1-related conditions. ClinVar contains an entry for this variant (Variation ID: 1303944). Algorithms developed to predict the effect of missense changes on protein structure and function output the following: SIFT: "Not Available"; PolyPhen-2: "Benign"; Align-GVGD: "Not Available". The serine amino acid residue is found in multiple mammalian species, which suggests that this missense change does not adversely affect protein function. In summary, the available evidence is currently insufficient to determine the role of this variant in disease. Therefore, it has been classified as a Variant of Uncertain Significance.

GeneDx
Classification: Uncertain significance. Last evaluated: 2019-10-18. Review status: criteria provided, single submitter. Criteria: GeneDx Variant Classification Process June 2021. Collection method: clinical testing. Allele origin: germline. Affected: yes.
Comment: Not observed at a significant frequency in large population cohorts (Lek et al., 2016); Has not been previously published as pathogenic or benign to our knowledge

NM_001134831.2(AHI1):c.1625G>C (p.Cys542Ser)

Gene: AHI1 (Abelson helper integration site 1; minus strand). Cytogenetic location: 6q23.3.
Variant type: single nucleotide variant.
Coding change: c.1625G>C on transcript NM_001134831.2 (MANE Select); coding-DNA position 1625, G replaced by C.
Protein change: p.Cys542Ser; replaces cysteine 542 with serine.
Molecular consequence: missense variant.
Genome position (GRCh38, 1-based): chr6:135,448,291, C>G on the plus strand (G>C on the coding strand, the complement: AHI1 is on the minus strand). VCF-style: chr6-135448291-C-G. GRCh37 (hg19) VCF-style: chr6-135769429-C-G.
Other names: c.1625G>C, p.Cys542Ser (NM_001134830.2, NM_001134832.2, NM_001350503.2 and 2 more transcripts); short protein forms C542S.
Identifiers: ClinVar variation 1303944 (VCV001303944.8), dbSNP rs768523364, ClinGen allele CA4012560.